The following is an entry in ClinVar:

NM_000321.3(RB1):c.2753A>T (p.Asp918Val)

Gene: RB1 (RB transcriptional corepressor 1; plus strand). Cytogenetic location: 13q14.2.
Variant type: single nucleotide variant.
Coding change: c.2753A>T on transcript NM_000321.3 (MANE Select); coding-DNA position 2753, A replaced by T.
Protein change: p.Asp918Val; replaces aspartic acid 918 with valine.
Molecular consequence: missense variant. On other transcripts: stop lost (1).
Genome position (GRCh38, 1-based): chr13:48,480,037, A>T. VCF-style: chr13-48480037-A-T. GRCh37 (hg19) VCF-style: chr13-49054173-A-T.
Other names: c.2772A>T, p.Ter924Cys (NM_001407165.1); c.203A>T, p.Asp68Val (NM_001407168.1); short protein forms D68V, D918V.
Identifiers: ClinVar variation 3943360 (VCV003943360.1).
Genomic context (GRCh38, chr13:48,480,037, plus strand): 5'-AGTTCTTCATCCTTTTTCCAGCTTCTACTCGAACACGAATGCAAAAGCAGAAAATGAATG[A>T]TAGCATGGATACCTCAAACAAGGAAGAGAAATGAGGATCTCAGGACCTTGGTGGACACTG-3'
Protein context (NP_000312.2, residues 908-928): RTRMQKQKMN[Asp918Val]SMDTSNKEEK

ClinVar aggregate classification (germline): Uncertain significance (1 of 4 stars; one submission).

Conditions:
Hereditary cancer-predisposing syndrome. Also called: Tumor predisposition; Hereditary neoplastic syndrome; Hereditary Cancer Syndrome; Neoplastic Syndromes, Hereditary. Identifiers: Orphanet 140162, MedGen C0027672, MeSH D009386, MONDO:0015356.

Submission:

Ambry Genetics
Classification: Uncertain significance for Hereditary cancer-predisposing syndrome. Last evaluated: 2025-05-19. Review status: criteria provided, single submitter. Criteria: Ambry Variant Classification Scheme 2023. Collection method: clinical testing. Allele origin: germline.
Comment: The p.D918V variant (also known as c.2753A>T), located in coding exon 27 of the RB1 gene, results from an A to T substitution at nucleotide position 2753. The aspartic acid at codon 918 is replaced by valine, an amino acid with highly dissimilar properties. This amino acid position is conserved. In addition, the in silico prediction for this alteration is inconclusive. Based on the available evidence, the clinical significance of this variant remains unclear.